The following is an entry in ClinVar:

ClinVar aggregate classification (germline): Likely pathogenic (1 of 4 stars; one submission).

Allele frequency attached by ClinVar (database versions not stated): TOPMed 0.00001; gnomAD exomes 0.00002; gnomAD 0.00001.

Submission:

GeneDx
Classification: Likely pathogenic. Last evaluated: 2025-04-28. Review status: criteria provided, single submitter. Criteria: GeneDx Variant Classification Process June 2021. Collection method: clinical testing. Allele origin: germline.
Comment: Frameshift variant predicted to result in protein truncation or nonsense mediated decay in a gene for which loss of function is a known mechanism of disease; Not observed at significant frequency in large population cohorts (gnomAD); Has not been previously published as pathogenic or benign to our knowledge

NM_016327.3(UPB1):c.47del (p.His16fs)

Gene: UPB1 (beta-ureidopropionase 1; plus strand). Cytogenetic location: 22q11.23.
Variant type: Deletion.
Coding change: c.47del on transcript NM_016327.3 (MANE Select); coding-DNA position 47, one base deleted (A; older notation c.47delA).
Protein change: p.His16fs; shifts the reading frame from histidine 16.
Molecular consequence: frameshift variant.
Genome position (GRCh38, 1-based): chr22:24,495,450, A deleted. VCF-style (leftmost placement, unchanged base first): chr22-24495449-CA-C. GRCh37 (hg19) VCF-style: chr22-24891417-CA-C.
Other names: short protein forms H16fs.
Identifiers: ClinVar variation 2580806 (VCV002580806.2), dbSNP rs1458458354, ClinGen allele CA638717771.